The following is an entry in ClinVar:

NM_001122681.2(SH3BP2):c.172G>C (p.Val58Leu)

Gene: SH3BP2 (SH3 domain binding protein 2; plus strand). Cytogenetic location: 4p16.3.
Variant type: single nucleotide variant.
Coding change: c.172G>C on transcript NM_001122681.2 (MANE Select); coding-DNA position 172, G replaced by C.
Protein change: p.Val58Leu; replaces valine 58 with leucine.
Molecular consequence: missense variant.
Genome position (GRCh38, 1-based): chr4:2,822,970, G>C. VCF-style: chr4-2822970-G-C. GRCh37 (hg19) VCF-style: chr4-2824697-G-C.
Other names: c.256G>C, p.Val86Leu (NM_001145855.2); c.343G>C, p.Val115Leu (NM_001145856.2); c.172G>C, p.Val58Leu (NM_003023.4); short protein forms V115L, V58L, V86L.
Identifiers: ClinVar variation 4692568 (VCV004692568.1).

ClinVar aggregate classification (germline): Uncertain significance (1 of 4 stars; one submission).

Conditions:
Fibrous dysplasia of jaw (CRBM). Also called: Cherubism. Identifiers: Orphanet 184, MedGen C0008029, MONDO:0007315, OMIM 118400.

Submission:

Labcorp Genetics (formerly Invitae), Labcorp
Classification: Uncertain significance for Fibrous dysplasia of jaw. Last evaluated: 2025-09-25. Review status: criteria provided, single submitter. Criteria: Invitae Variant Classification Sherloc (09022015). Collection method: clinical testing. Allele origin: germline.
Comment: This sequence change replaces valine, which is neutral and non-polar, with leucine, which is neutral and non-polar, at codon 58 of the SH3BP2 protein (p.Val58Leu). This variant is not present in population databases (gnomAD no frequency). This variant has not been reported in the literature in individuals affected with SH3BP2-related conditions. Invitae Evidence Modeling of protein sequence and biophysical properties (such as structural, functional, and spatial information, amino acid conservation, physicochemical variation, residue mobility, and thermodynamic stability) indicates that this missense variant is not expected to disrupt SH3BP2 protein function with a negative predictive value of 95%. In summary, the available evidence is currently insufficient to determine the role of this variant in disease. Therefore, it has been classified as a Variant of Uncertain Significance.